The following is an entry in ClinVar:

ClinVar aggregate classification (germline): Pathogenic. Review status: criteria provided, single submitter (1 of 4 stars). 3 submissions from 3 submitters: Pathogenic (1). 2 of the submissions do not count toward it. Last evaluated 2018-09-13.

Conditions:
Curry-Hall syndrome (WAD). Also called: WEYERS ACRODENTAL DYSOSTOSIS. Identifiers: Orphanet 952, MedGen C0457013, MONDO:0008673, OMIM 193530.
Ellis-van Creveld syndrome (EVC). Also called: EVC2-Related Ellis-van Creveld Syndrome; EVC-Related Ellis-van Creveld Syndrome; MESOECTODERMAL DYSPLASIA; Chondroectodermal dysplasia. Identifiers: Orphanet 289, MedGen C0013903, MONDO:0009162, OMIM 225500.

Submissions (3):

Labcorp Genetics (formerly Invitae), Labcorp
Classification: Pathogenic for Curry-Hall syndrome; Ellis-van Creveld syndrome. Last evaluated: 2018-09-13. Review status: criteria provided, single submitter. Criteria: Invitae Variant Classification Sherloc (09022015). Collection method: clinical testing. Allele origin: germline.
Comment: For these reasons, this variant has been classified as Pathogenic. Loss-of-function variants in EVC are known to be pathogenic (PMID: 23220543). This variant has been observed in two individuals affected with Ellis-van Creveld syndrome (PMID: 23220543). ClinVar contains an entry for this variant (Variation ID: 555774). This variant is not present in population databases (ExAC no frequency). This sequence change creates a premature translational stop signal (p.Glu354Serfs*31) in the EVC gene. It is expected to result in an absent or disrupted protein product.

Natera, Inc.
Classification: Pathogenic for Ellis-van Creveld syndrome. Last evaluated: 2020-09-16. Review status: no assertion criteria provided. Collection method: clinical testing. Allele origin: germline. Not counted in ClinVar's aggregate classification.

Counsyl
Classification: Pathogenic for Ellis-van Creveld syndrome. Last evaluated: 2017-12-28. Review status: no assertion criteria provided. Collection method: clinical testing. Allele origin: unknown. Not counted in ClinVar's aggregate classification.

Literature cited by the submitters: PubMed 23220543 (cited by Labcorp Genetics (formerly Invitae), Labcorp and Counsyl).

NM_153717.3(EVC):c.1056_1059dup (p.Glu354fs)

Gene: EVC (EvC ciliary complex subunit 1; plus strand). Cytogenetic location: 4p16.2.
Variant type: Duplication.
Coding change: c.1056_1059dup on transcript NM_153717.3 (MANE Select); coding-DNA positions 1056 to 1059, 4 bases duplicated (AGCC; older notation c.1056_1059dupAGCC).
Protein change: p.Glu354fs; shifts the reading frame from glutamic acid 354.
Molecular consequence: frameshift variant.
Genome position (GRCh38, 1-based): chr4:5,748,264-5,748,267, AGCC duplicated; duplicating any 4 consecutive bases within chr4:5,748,263-5,748,267 gives the same sequence; the c. name uses the placement nearest the transcript's 3' end. VCF-style (leftmost placement, unchanged base first): chr4-5748262-G-GCAGC. GRCh37 (hg19) VCF-style: chr4-5749989-G-GCAGC.
Other names: c.1056_1059dupAGCC (NM_153717.3, NM_153717.2); c.1056_1059dup, p.Glu354fs (NM_001306090.2, NM_001306092.2); short protein forms E354fs.
Identifiers: ClinVar variation 555774 (VCV000555774.12), dbSNP rs1553873969, ClinGen allele CA658821953.